The following is an entry in ClinVar:

ClinVar aggregate classification (germline): Uncertain significance. Review status: criteria provided, multiple submitters, no conflicts (2 of 4 stars). 2 submissions from 2 submitters: Uncertain significance (2). Last evaluated 2025-09-02.

Conditions:
Atrioventricular septal defect 4 (AVSD4). Identifiers: MedGen C3280781, MONDO:0013747, OMIM 614430.

Allele frequency attached by ClinVar (database versions not stated): gnomAD exomes 0.00002; ExAC 0.00004; gnomAD 0.00007; TOPMed 0.00008; ESP Exome Variant Server 0.00015.

Submissions (2):

Labcorp Genetics (formerly Invitae), Labcorp
Classification: Uncertain significance for Atrioventricular septal defect 4. Last evaluated: 2025-09-02. Review status: criteria provided, single submitter. Criteria: Invitae Variant Classification Sherloc (09022015). Collection method: clinical testing. Allele origin: germline.
Comment: This sequence change replaces alanine, which is neutral and non-polar, with threonine, which is neutral and polar, at codon 343 of the GATA4 protein (p.Ala343Thr). This variant is present in population databases (rs370588269, gnomAD 0.01%). This variant has not been reported in the literature in individuals affected with GATA4-related conditions. ClinVar contains an entry for this variant (Variation ID: 1502063). Invitae Evidence Modeling of protein sequence and biophysical properties (such as structural, functional, and spatial information, amino acid conservation, physicochemical variation, residue mobility, and thermodynamic stability) indicates that this missense variant is not expected to disrupt GATA4 protein function with a negative predictive value of 95%. In summary, the available evidence is currently insufficient to determine the role of this variant in disease. Therefore, it has been classified as a Variant of Uncertain Significance.

GeneDx
Classification: Uncertain significance. Last evaluated: 2024-05-10. Review status: criteria provided, single submitter. Criteria: GeneDx Variant Classification Process June 2021. Collection method: clinical testing. Allele origin: germline. Affected: yes.
Comment: In silico analysis indicates that this missense variant does not alter protein structure/function; This variant is associated with the following publications: (PMID: 27374936, Alonso-Montes2017[casereport], 28381408)

NM_001308093.3(GATA4):c.1030G>A (p.Ala344Thr)

Gene: GATA4 (GATA binding protein 4). Cytogenetic location: 8p23.1.
Variant type: single nucleotide variant.
Coding change: c.1030G>A on transcript NM_001308093.3 (MANE Select); coding-DNA position 1030, G replaced by A.
Protein change: p.Ala344Thr; replaces alanine 344 with threonine.
Molecular consequence: missense variant.
Genome position (GRCh38, 1-based): chr8:11,756,964, G>A. VCF-style: chr8-11756964-G-A. GRCh37 (hg19) VCF-style: chr8-11614473-G-A.
Other names: c.409G>A, p.Ala137Thr (NM_001308094.2, NM_001374273.1); c.283G>A, p.Ala95Thr (NM_001374274.1); c.1027G>A, p.Ala343Thr (NM_002052.5); c.1027G>A (NM_002052.3); short protein forms A343T, A95T, A137T, A344T.
Identifiers: ClinVar variation 1502063 (VCV001502063.7), dbSNP rs370588269, ClinGen allele CA4630805.